The following is an entry in ClinVar:

ClinVar aggregate classification (germline): Uncertain significance. Review status: criteria provided, multiple submitters, no conflicts (2 of 4 stars). 2 submissions from 2 submitters: Uncertain significance (2). Last evaluated 2025-08-11.

Conditions:
Hereditary nonpolyposis colorectal neoplasms. Identifiers: MedGen C0009405, MeSH D003123.
Hereditary cancer-predisposing syndrome. Also called: Hereditary Cancer Syndrome; Hereditary neoplastic syndrome; Neoplastic Syndromes, Hereditary; Tumor predisposition. Identifiers: Orphanet 140162, MedGen C0027672, MeSH D009386, MONDO:0015356.

Submissions (2):

Labcorp Genetics (formerly Invitae), Labcorp
Classification: Uncertain significance for Hereditary nonpolyposis colorectal neoplasms. Last evaluated: 2025-08-11. Review status: criteria provided, single submitter. Criteria: Invitae Variant Classification Sherloc (09022015). Collection method: clinical testing. Allele origin: germline.
Comment: This sequence change replaces glycine, which is neutral and non-polar, with alanine, which is neutral and non-polar, at codon 281 of the MSH6 protein (p.Gly281Ala). This variant is not present in population databases (gnomAD no frequency). This variant has not been reported in the literature in individuals affected with MSH6-related conditions. ClinVar contains an entry for this variant (Variation ID: 455352). Invitae Evidence Modeling of protein sequence and biophysical properties (such as structural, functional, and spatial information, amino acid conservation, physicochemical variation, residue mobility, and thermodynamic stability) indicates that this missense variant is not expected to disrupt MSH6 protein function with a negative predictive value of 95%. In summary, the available evidence is currently insufficient to determine the role of this variant in disease. Therefore, it has been classified as a Variant of Uncertain Significance.

Ambry Genetics
Classification: Uncertain significance for Hereditary cancer-predisposing syndrome. Last evaluated: 2020-08-19. Review status: criteria provided, single submitter. Criteria: Ambry Variant Classification Scheme 2023. Collection method: clinical testing. Allele origin: germline.
Comment: The p.G281A variant (also known as c.842G>C), located in coding exon 4 of the MSH6 gene, results from a G to C substitution at nucleotide position 842. The glycine at codon 281 is replaced by alanine, an amino acid with similar properties. This amino acid position is well conserved in available vertebrate species; however, alanine is the reference amino acid in other vertebrate species. In addition, this alteration is predicted to be tolerated by in silico analysis. Since supporting evidence is limited at this time, the clinical significance of this alteration remains unclear.

NM_000179.3(MSH6):c.842G>C (p.Gly281Ala)

Gene: MSH6 (mutS homolog 6; plus strand). Cytogenetic location: 2p16.3.
Variant type: single nucleotide variant.
Coding change: c.842G>C on transcript NM_000179.3 (MANE Select); coding-DNA position 842, G replaced by C.
Protein change: p.Gly281Ala; replaces glycine 281 with alanine.
Molecular consequence: missense variant. On other transcripts: 5 prime UTR variant (2).
Genome position (GRCh38, 1-based): chr2:47,798,825, G>C. VCF-style: chr2-47798825-G-C. GRCh37 (hg19) VCF-style: chr2-48025964-G-C.
Other names: c.452G>C, p.Gly151Ala (NM_001281492.2); c.-65G>C (NM_001281493.2, NM_001281494.2); short protein forms G281A, G151A.
Identifiers: ClinVar variation 455352 (VCV000455352.11), dbSNP rs773445382, ClinGen allele CA346740517.